The following is an entry in ClinVar:

ClinVar aggregate classification (germline): Likely benign (1 of 4 stars; one submission).

Submission:

GeneDx
Classification: Likely benign. Last evaluated: 2018-04-04. Review status: criteria provided, single submitter. Criteria: GeneDx Variant Classification (06012015). Collection method: clinical testing. Allele origin: germline. Affected: yes.
Comment: This variant is considered likely benign or benign based on one or more of the following criteria: it is a conservative change, it occurs at a poorly conserved position in the protein, it is predicted to be benign by multiple in silico algorithms, and/or has population frequency not consistent with disease.

NM_005472.5(KCNE3):c.-19del

Gene: KCNE3 (potassium voltage-gated channel subfamily E regulatory subunit 3; minus strand). Cytogenetic location: 11q13.4.
Variant type: Deletion.
Coding change: c.-19del on transcript NM_005472.5 (MANE Select); 19 bases upstream of the start codon, one base deleted (C; older notation c.-19delC).
Molecular consequence: 5 prime UTR variant.
Genome position (GRCh38, 1-based): chr11:74,457,582, G deleted on the plus strand (C on the coding strand, the reverse complement: KCNE3 is on the minus strand); the first of 5 consecutive G bases (chr11:74,457,582-74,457,586); deleting any one gives the same sequence. VCF-style (leftmost placement, unchanged base first): chr11-74457581-TG-T. GRCh37 (hg19) VCF-style: chr11-74168626-TG-T.
Other names: c.-19delC (NM_005472.4).
Identifiers: ClinVar variation 681496 (VCV000681496.1), dbSNP rs775009123, ClinGen allele CA6184883.
Genomic context (GRCh38, chr11:74,457,581, plus strand): 5'-GCAGGCTCTCATACCAGGTCTCCGTTCCATTGGTAGTCTCCATAGCAACAGGGATTGAGG[TG>T]GGGGAAGACTCGGTAGAAGCTCTGGTGGCAAAAGAAAAGAGAGAGGGGATGGCTCTGTCA-3'